The following is an entry in ClinVar:

ClinVar aggregate classification (germline): Uncertain significance. Review status: criteria provided, multiple submitters, no conflicts (2 of 4 stars). 2 submissions from 2 submitters: Uncertain significance (2). Last evaluated 2025-04-21.

Conditions:
Leber congenital amaurosis 3 (LCA3). Also called: SPATA7-Related Retinitis Pigmentosa. Identifiers: MedGen C1858677, MONDO:0011415, OMIM 604232.
Inborn genetic diseases. Identifiers: MedGen C0950123, MeSH D030342.

Allele frequency attached by ClinVar (database versions not stated): gnomAD exomes 0.00002; TOPMed 0.00002; ExAC 0.00003; gnomAD 0.00003.
gnomAD v4.1: 33 of 1,614,074 alleles (0.002%); highest among the groups gnomAD compares: Middle Eastern, 0.016%; no homozygotes.

Submissions (2):

Ambry Genetics
Classification: Uncertain significance for Inborn genetic diseases. Last evaluated: 2025-04-21. Review status: criteria provided, single submitter. Criteria: Ambry Variant Classification Scheme 2023. Collection method: clinical testing. Allele origin: germline.

Labcorp Genetics (formerly Invitae), Labcorp
Classification: Uncertain significance for Leber congenital amaurosis 3. Last evaluated: 2021-10-21. Review status: criteria provided, single submitter. Criteria: Invitae Variant Classification Sherloc (09022015). Collection method: clinical testing. Allele origin: germline.
Comment: This sequence change replaces tyrosine with histidine at codon 185 of the SPATA7 protein (p.Tyr185His). The tyrosine residue is weakly conserved and there is a moderate physicochemical difference between tyrosine and histidine. This variant is present in population databases (rs777789357, ExAC 0.006%). This variant has not been reported in the literature in individuals affected with SPATA7-related conditions. Algorithms developed to predict the effect of missense changes on protein structure and function output the following: SIFT: "Deleterious"; PolyPhen-2: "Benign"; Align-GVGD: "Class C0". The histidine amino acid residue is found in multiple mammalian species, which suggests that this missense change does not adversely affect protein function. In summary, the available evidence is currently insufficient to determine the role of this variant in disease. Therefore, it has been classified as a Variant of Uncertain Significance.

NM_018418.5(SPATA7):c.553T>C (p.Tyr185His)

Gene: SPATA7 (spermatogenesis associated 7; plus strand). Cytogenetic location: 14q31.3.
Variant type: single nucleotide variant.
Coding change: c.553T>C on transcript NM_018418.5 (MANE Select); coding-DNA position 553, T replaced by C.
Protein change: p.Tyr185His; replaces tyrosine 185 with histidine.
Molecular consequence: missense variant.
Genome position (GRCh38, 1-based): chr14:88,426,412, T>C. VCF-style: chr14-88426412-T-C. GRCh37 (hg19) VCF-style: chr14-88892756-T-C.
Other names: c.457T>C, p.Tyr153His (NM_001040428.4); short protein forms Y153H, Y185H.
Identifiers: ClinVar variation 843997 (VCV000843997.6), dbSNP rs777789357, ClinGen allele CA7298549.